The following is an entry in ClinVar:

ClinVar aggregate classification (germline): Uncertain significance (1 of 4 stars; one submission).

Conditions:
Cardiovascular phenotype. Identifiers: MedGen CN230736.

Submission:

Ambry Genetics
Classification: Uncertain significance for Cardiovascular phenotype. Last evaluated: 2025-12-18. Review status: criteria provided, single submitter. Criteria: Ambry Variant Classification Scheme 2023. Collection method: clinical testing. Allele origin: germline.
Comment: The p.T135I variant (also known as c.404C>T), located in coding exon 4 of the ENG gene, results from a C to T substitution at nucleotide position 404. The threonine at codon 135 is replaced by isoleucine, an amino acid with similar properties. This amino acid position is conserved. In addition, this alteration is predicted to be tolerated by in silico analysis. Based on the available evidence, the clinical significance of this variant remains unclear.

NM_001114753.3(ENG):c.404C>T (p.Thr135Ile)

Gene: ENG (endoglin; minus strand). Cytogenetic location: 9q34.11.
Variant type: single nucleotide variant.
Coding change: c.404C>T on transcript NM_001114753.3 (MANE Select); coding-DNA position 404, C replaced by T.
Protein change: p.Thr135Ile; replaces threonine 135 with isoleucine.
Molecular consequence: missense variant. On other transcripts: 5 prime UTR variant (1).
Genome position (GRCh38, 1-based): chr9:127,826,629, G>A on the plus strand (C>T on the coding strand, the complement: ENG is on the minus strand). VCF-style: chr9-127826629-G-A. GRCh37 (hg19) VCF-style: chr9-130588908-G-A.
Other names: c.404C>T, p.Thr135Ile (NM_000118.4, NM_001406715.1); c.-143C>T (NM_001278138.2); short protein forms T135I.
Identifiers: ClinVar variation 4843449 (VCV004843449.1).